The following is an entry in ClinVar:

ClinVar aggregate classification (germline): Uncertain significance (1 of 4 stars; one submission).

Submission:

Labcorp Genetics (formerly Invitae), Labcorp
Classification: Uncertain significance. Last evaluated: 2021-08-14. Review status: criteria provided, single submitter. Criteria: Invitae Variant Classification Sherloc (09022015). Collection method: clinical testing. Allele origin: germline.
Comment: This sequence change replaces aspartic acid with asparagine at codon 440 of the POLE protein (p.Asp440Asn). The aspartic acid residue is highly conserved and there is a small physicochemical difference between aspartic acid and asparagine. This variant is not present in population databases (ExAC no frequency). This variant has not been reported in the literature in individuals affected with POLE-related conditions. Algorithms developed to predict the effect of missense changes on protein structure and function are either unavailable or do not agree on the potential impact of this missense change (SIFT: "Deleterious"; PolyPhen-2: "Probably Damaging"; Align-GVGD: "Class C0"). In summary, the available evidence is currently insufficient to determine the role of this variant in disease. Therefore, it has been classified as a Variant of Uncertain Significance.

NM_006231.4(POLE):c.1318G>A (p.Asp440Asn)

Gene: POLE (DNA polymerase epsilon, catalytic subunit; minus strand). Cytogenetic location: 12q24.33.
Variant type: single nucleotide variant.
Coding change: c.1318G>A on transcript NM_006231.4 (MANE Select); coding-DNA position 1318, G replaced by A.
Protein change: p.Asp440Asn; replaces aspartic acid 440 with asparagine.
Molecular consequence: missense variant.
Genome position (GRCh38, 1-based): chr12:132,673,616, C>T on the plus strand (G>A on the coding strand, the complement: POLE is on the minus strand). VCF-style: chr12-132673616-C-T. GRCh37 (hg19) VCF-style: chr12-133250202-C-T.
Other names: short protein forms D440N.
Identifiers: ClinVar variation 1483167 (VCV001483167.6), dbSNP rs2135999569, ClinGen allele CA387359308.
Genomic context (GRCh38, chr12:132,673,616, plus strand): 5'-CGGGATGTGGCTTACGTGCCTGGGGCTGCTCCGTGGCCATCCGGCACATGTCCTCCGGGT[C>T]TAGCTCCACGGGATCATAGCCTAGCTTGGCCTTGGCGGCCGCCTTGAGATTATGACTGCC-3'
Protein context (NP_006222.2, residues 430-450): AKLGYDPVEL[Asp440Asn]PEDMCRMATE